The following is an entry in ClinVar:

NM_006231.4(POLE):c.557C>T (p.Ala186Val)

Gene: POLE (DNA polymerase epsilon, catalytic subunit; minus strand). Cytogenetic location: 12q24.33.
Variant type: single nucleotide variant.
Coding change: c.557C>T on transcript NM_006231.4 (MANE Select); coding-DNA position 557, C replaced by T.
Protein change: p.Ala186Val; replaces alanine 186 with valine.
Molecular consequence: missense variant.
Genome position (GRCh38, 1-based): chr12:132,679,518, G>A on the plus strand (C>T on the coding strand, the complement: POLE is on the minus strand). VCF-style: chr12-132679518-G-A. GRCh37 (hg19) VCF-style: chr12-133256104-G-A.
Other names: c.557C>T (NM_006231.2); short protein forms A186V.
Identifiers: ClinVar variation 540682 (VCV000540682.20), dbSNP rs151325267, ClinGen allele CA6894289.

ClinVar aggregate classification (germline): Conflicting classifications of pathogenicity. Review status: criteria provided, conflicting classifications (1 of 4 stars). 5 submissions from 5 submitters: Uncertain significance (4); Likely benign (1). Last evaluated 2026-01-06.

Conditions:
Hereditary cancer-predisposing syndrome. Also called: Neoplastic Syndromes, Hereditary; Hereditary Cancer Syndrome; Hereditary neoplastic syndrome; Tumor predisposition. Identifiers: Orphanet 140162, MedGen C0027672, MeSH D009386, MONDO:0015356.

Allele frequency attached by ClinVar (database versions not stated): ESP Exome Variant Server 0.00015; gnomAD 0.00001; TOPMed 0.00001; gnomAD exomes 0.00002; ExAC 0.00002.
gnomAD v4.1: 30 of 1,613,366 alleles (0.0019%); highest among the groups gnomAD compares: South Asian, 0.0088%; no homozygotes.

Submissions (5):

Labcorp Genetics (formerly Invitae), Labcorp
Classification: Uncertain significance. Last evaluated: 2026-01-06. Review status: criteria provided, single submitter. Criteria: Invitae Variant Classification Sherloc (09022015). Collection method: clinical testing. Allele origin: germline.
Comment: This sequence change replaces alanine, which is neutral and non-polar, with valine, which is neutral and non-polar, at codon 186 of the POLE protein (p.Ala186Val). This variant is present in population databases (rs151325267, gnomAD 0.006%). This variant has not been reported in the literature in individuals affected with POLE-related conditions. ClinVar contains an entry for this variant (Variation ID: 540682). Invitae Evidence Modeling of protein sequence and biophysical properties (such as structural, functional, and spatial information, amino acid conservation, physicochemical variation, residue mobility, and thermodynamic stability) indicates that this missense variant is not expected to disrupt POLE protein function with a negative predictive value of 80%. In summary, the available evidence is currently insufficient to determine the role of this variant in disease. Therefore, it has been classified as a Variant of Uncertain Significance.

GeneDx
Classification: Uncertain significance. Last evaluated: 2025-05-11. Review status: criteria provided, single submitter. Criteria: GeneDx Variant Classification Process June 2021. Collection method: clinical testing. Allele origin: germline.
Comment: Not observed at significant frequency in large population cohorts (gnomAD); In silico analysis suggests that this missense variant does not alter protein structure/function; Has not been previously published as pathogenic or benign to our knowledge; This variant is associated with the following publications: (PMID: 34026601, 35261896)

Ambry Genetics
Classification: Likely benign for Hereditary cancer-predisposing syndrome. Last evaluated: 2025-03-17. Review status: criteria provided, single submitter. Criteria: Ambry Variant Classification Scheme 2023. Collection method: clinical testing. Allele origin: germline.

Center for Genomic Medicine, Rigshospitalet, Copenhagen University Hospital
Classification: Uncertain significance. Last evaluated: 2025-03-04. Review status: criteria provided, single submitter. Criteria: ACMG Guidelines, 2015. Collection method: clinical testing. Allele origin: germline.

Quest Diagnostics Nichols Institute San Juan Capistrano
Classification: Uncertain significance. Last evaluated: 2023-02-21. Review status: criteria provided, single submitter. Criteria: Quest Diagnostics criteria. Collection method: clinical testing. Allele origin: unknown.
Comment: The frequency of this variant in the general population, 0.000016 (4/251372 chromosomes), is uninformative in assessment of its pathogenicity. In the published literature, the variant has been reported in an individual with colorectal cancer (PMID: 34026601 (2021)) and in individuals with stomach adenocarcinoma (PMID: 35261896 (2021)). Analysis of this variant using bioinformatics tools for the prediction of the effect of amino acid changes on protein structure and function yielded predictions that this variant is benign. Based on the available information, we are unable to determine the clinical significance of this variant.

Literature cited by the submitters: PubMed 34026601 (cited by Quest Diagnostics Nichols Institute San Juan Capistrano); PubMed 35261896 (cited by Quest Diagnostics Nichols Institute San Juan Capistrano).